The following is an entry in ClinVar:

NM_000069.3(CACNA1S):c.2279_2283delinsTCTTTCA (p.Pro760fs)

Gene: CACNA1S (calcium voltage-gated channel subunit alpha1 S; minus strand). Cytogenetic location: 1q32.1.
Variant type: Indel.
Coding change: c.2279_2283delinsTCTTTCA on transcript NM_000069.3 (MANE Select); coding-DNA positions 2279 to 2283, CCCTG replaced by TCTTTCA.
Protein change: p.Pro760fs; shifts the reading frame from proline 760.
Molecular consequence: frameshift variant.
Genome position (GRCh38, 1-based): chr1:201,070,349-201,070,353, CAGGG replaced by TGAAAGA on the plus strand (CCCTG replaced by TCTTTCA on the coding strand, the reverse complement: CACNA1S is on the minus strand). VCF-style: chr1-201070349-CAGGG-TGAAAGA. GRCh37 (hg19) VCF-style: chr1-201039477-CAGGG-TGAAAGA.
Other names: short protein forms P760fs.
Identifiers: ClinVar variation 4757958 (VCV004757958.1).

ClinVar aggregate classification (germline): Uncertain significance (1 of 4 stars; one submission).

Conditions:
Malignant hyperthermia, susceptibility to, 5 (MHS5). Also called: CACNA1S-Related Malignant Hyperthermia Susceptibility. Identifiers: Orphanet 423, MedGen C1866077, MONDO:0011163, OMIM 601887.

Submission:

Color Diagnostics, LLC DBA Color Health
Classification: Uncertain significance for Malignant hyperthermia, susceptibility to, 5. Last evaluated: 2025-09-05. Review status: criteria provided, single submitter. Criteria: ACMG Guidelines, 2015. Collection method: clinical testing. Allele origin: germline.
Comment: This variant deletes 5 nucleotides and inserts 7 nucleotides in exon 17 of the CACNA1S gene, creating a frameshift and premature translation stop signal. This variant is expected to result in an absent or non-functional protein product. To our knowledge, this variant has not been reported in individuals affected with CACNA1S-related disorders in the literature. This variant has not been identified in the general population by the Genome Aggregation Database (gnomAD). Loss of CACNA1S gene function due to haploinsufficiency is not an established disease mechanism for autosomal dominant malignant hyperthermia susceptibility. Therefore, this variant is classified as a Variant of Uncertain Significance.